The following is an entry in ClinVar:

NM_012471.3(TRPC5):c.1440A>C (p.Ala480=)

Gene: TRPC5 (transient receptor potential cation channel subfamily C member 5; minus strand). Cytogenetic location: Xq23.
Variant type: single nucleotide variant.
Coding change: c.1440A>C on transcript NM_012471.3 (MANE Select); coding-DNA position 1440, A replaced by C.
Protein change: p.Ala480=; no amino-acid change (alanine 480 retained).
Molecular consequence: synonymous variant.
Genome position (GRCh38, 1-based): chrX:111,847,374, T>G on the plus strand (A>C on the coding strand, the complement: TRPC5 is on the minus strand). VCF-style: chrX-111847374-T-G. GRCh37 (hg19) VCF-style: chrX-111090602-T-G.
Identifiers: ClinVar variation 4989748 (VCV004989748.1).
Genomic context (GRCh38, chrX:111,847,374, plus strand): 5'-GTTGGCTGTGAACAGGGATATGAGACGCAACGAACTTAAAATGTTGGATATTGCGAAGAG[T>G]GCTTCCGCAATCAGAGTCGGGTGCCACATTTCCCATTCCTCCCTTGGACGAGAACCATTA-3'
Protein context (NP_036603.1, residues 470-490): EMWHPTLIAE[Ala480=]LFAISNILSS

ClinVar aggregate classification (germline): Likely benign (1 of 4 stars; one submission).

Conditions:
TRPC5-related disorder. Also called: TRPC5-related condition.

Submission:

PreventionGenetics, part of Exact Sciences
Classification: Likely benign for TRPC5-related condition. Last evaluated: 2025-03-04. Review status: criteria provided, single submitter. Criteria: ACMG Guidelines, 2015. Collection method: clinical testing. Allele origin: germline.
Comment: This variant is classified as likely benign based on ACMG/AMP sequence variant interpretation guidelines (Richards et al. 2015 PMID: 25741868, with internal and published modifications).